The following is an entry in ClinVar:

ClinVar aggregate classification (germline): Uncertain significance (1 of 4 stars; one submission).

Conditions:
Ataxia-telangiectasia syndrome (AT). Also called: Ataxia telangiectasia (A-T); LOUIS-BAR SYNDROME; Cerebello-oculocutaneous telangiectasia; Immunodeficiency with ataxia telangiectasia; Ataxia-telangiectasia, complementation group E; Ataxia-telangiectasia. Identifiers: Orphanet 100, MedGen C0004135, MONDO:0008840, OMIM 208900.

Submission:

Labcorp Genetics (formerly Invitae), Labcorp
Classification: Uncertain significance for Ataxia-telangiectasia syndrome. Last evaluated: 2024-07-16. Review status: criteria provided, single submitter. Criteria: Invitae Variant Classification Sherloc (09022015). Collection method: clinical testing. Allele origin: germline.
Comment: This sequence change replaces glutamine, which is neutral and polar, with histidine, which is basic and polar, at codon 1503 of the ATM protein (p.Gln1503His). This variant is not present in population databases (gnomAD no frequency). This variant has not been reported in the literature in individuals affected with ATM-related conditions. An algorithm developed to predict the effect of missense changes on protein structure and function outputs the following: PolyPhen-2: "Benign". The histidine amino acid residue is found in multiple mammalian species, which suggests that this missense change does not adversely affect protein function. In summary, the available evidence is currently insufficient to determine the role of this variant in disease. Therefore, it has been classified as a Variant of Uncertain Significance.

NM_000051.4(ATM):c.4509G>C (p.Gln1503His)

Gene: ATM (ATM serine/threonine kinase; plus strand). Cytogenetic location: 11q22.3.
Variant type: single nucleotide variant.
Coding change: c.4509G>C on transcript NM_000051.4 (MANE Select); coding-DNA position 4509, G replaced by C.
Protein change: p.Gln1503His; replaces glutamine 1503 with histidine.
Molecular consequence: missense variant.
Genome position (GRCh38, 1-based): chr11:108,292,691, G>C. VCF-style: chr11-108292691-G-C. GRCh37 (hg19) VCF-style: chr11-108163418-G-C.
Other names: c.4509G>C, p.Gln1503His (NM_001351834.2); short protein forms Q1503H.
Identifiers: ClinVar variation 3690166 (VCV003690166.2).